The following is an entry in ClinVar:

ClinVar aggregate classification (germline): Likely benign. Review status: criteria provided, single submitter (1 of 4 stars). 2 submissions from 2 submitters: Likely benign (1). 1 of the submissions does not count toward it. Last evaluated 2025-06-03.

Conditions:
Rubinstein-Taybi syndrome due to EP300 haploinsufficiency. Also called: RUBINSTEIN-TAYBI SYNDROME 2; EP300-Related Rubinstein-Taybi Syndrome. Identifiers: Orphanet 353284, Orphanet 783, MedGen C3150941, MONDO:0013364, OMIM 613684.
EP300-related disorder. Also called: EP300-related condition; EP300-related disorders.

Allele frequency attached by ClinVar (database versions not stated): gnomAD exomes below 0.00001; ExAC 0.00001; gnomAD 0.00001; TOPMed 0.00002.
gnomAD v4.1: 6 of 1,613,818 alleles (0.00037%); highest among the groups gnomAD compares: African/African-American, 0.0053%; no homozygotes.

Submissions (2):

Labcorp Genetics (formerly Invitae), Labcorp
Classification: Likely benign for Rubinstein-Taybi syndrome due to EP300 haploinsufficiency. Last evaluated: 2025-06-03. Review status: criteria provided, single submitter. Criteria: Invitae Variant Classification Sherloc (09022015). Collection method: clinical testing. Allele origin: germline.

PreventionGenetics, part of Exact Sciences
Classification: Likely benign for EP300-related condition. Last evaluated: 2019-09-11. Review status: no assertion criteria provided. Collection method: clinical testing. Allele origin: germline. Not counted in ClinVar's aggregate classification.
Comment: This variant is classified as likely benign based on ACMG/AMP sequence variant interpretation guidelines (Richards et al. 2015 PMID: 25741868, with internal and published modifications).

NM_001429.4(EP300):c.3729-8T>C

Gene: EP300 (EP300 lysine acetyltransferase; plus strand). Cytogenetic location: 22q13.2.
Variant type: single nucleotide variant.
Coding change: c.3729-8T>C on transcript NM_001429.4 (MANE Select); 8 bases into the intron before coding-DNA position 3729, T replaced by C.
Molecular consequence: intron variant.
Genome position (GRCh38, 1-based): chr22:41,164,045, T>C. VCF-style: chr22-41164045-T-C. GRCh37 (hg19) VCF-style: chr22-41560049-T-C.
Other names: c.3729-8T>C (NM_001429.3); c.3651-8T>C (NM_001362843.2).
Identifiers: ClinVar variation 2858436 (VCV002858436.5), dbSNP rs760510686, ClinGen allele CA10253227.